The following is an entry in ClinVar:

ClinVar aggregate classification (germline): Uncertain significance (1 of 4 stars; one submission).

Conditions:
Epidermodysplasia verruciformis. Identifiers: Orphanet 302, MedGen C0014522, MONDO:0009176.

Allele frequency attached by ClinVar (database versions not stated): gnomAD exomes below 0.00001; gnomAD 0.00002; TOPMed 0.00002.
gnomAD v4.1: 6 of 1,613,822 alleles (0.00037%); highest among the groups gnomAD compares: Non-Finnish European, 0.00051%; no homozygotes.

Submission:

Labcorp Genetics (formerly Invitae), Labcorp
Classification: Uncertain significance for Epidermodysplasia verruciformis. Last evaluated: 2021-07-06. Review status: criteria provided, single submitter. Criteria: Invitae Variant Classification Sherloc (09022015). Collection method: clinical testing. Allele origin: germline.
Comment: This sequence change replaces asparagine with aspartic acid at codon 592 of the TMC6 protein (p.Asn592Asp). The asparagine residue is highly conserved and there is a small physicochemical difference between asparagine and aspartic acid. This variant is not present in population databases (ExAC no frequency). This variant has not been reported in the literature in individuals affected with TMC6-related conditions. Algorithms developed to predict the effect of missense changes on protein structure and function are either unavailable or do not agree on the potential impact of this missense change (SIFT: "Not Available"; PolyPhen-2: "Possibly Damaging"; Align-GVGD: "Not Available"). In summary, the available evidence is currently insufficient to determine the role of this variant in disease. Therefore, it has been classified as a Variant of Uncertain Significance.

NM_001127198.5(TMC6):c.1774A>G (p.Asn592Asp)

Gene: TMC6 (transmembrane channel like 6; minus strand). Cytogenetic location: 17q25.3.
Variant type: single nucleotide variant.
Coding change: c.1774A>G on transcript NM_001127198.5 (MANE Select); coding-DNA position 1774, A replaced by G.
Protein change: p.Asn592Asp; replaces asparagine 592 with aspartic acid.
Molecular consequence: missense variant. On other transcripts: non-coding transcript variant (4).
Genome position (GRCh38, 1-based): chr17:78,119,334, T>C on the plus strand (A>G on the coding strand, the complement: TMC6 is on the minus strand). VCF-style: chr17-78119334-T-C. GRCh37 (hg19) VCF-style: chr17-76115415-T-C.
Other names: c.1774A>G, p.Asn592Asp (NM_001321185.1, NM_001374596.1, NM_001375353.1 and 2 more transcripts); c.1594A>G, p.Asn532Asp (NM_001374593.1, NM_001374594.1); short protein forms N532D, N592D.
Identifiers: ClinVar variation 1427821 (VCV001427821.6), dbSNP rs909137702, ClinGen allele CA294345113.